The following is an entry in ClinVar:

NM_001433705.1(NLRP5):c.919T>C (p.Leu307=)

Genes: NLRP5 (NLR family pyrin domain containing 5; plus strand), LOC126862935 (BRD4-independent group 4 enhancer GRCh37_chr19:56537936-56539135; plus strand). Cytogenetic location: 19q13.43.
Variant type: single nucleotide variant.
Coding change: c.919T>C on transcript NM_001433705.1 (MANE Select); coding-DNA position 919, T replaced by C.
Protein change: p.Leu307=; no amino-acid change (leucine 307 retained).
Molecular consequence: synonymous variant.
Genome position (GRCh38, 1-based): chr19:56,027,305, T>C. VCF-style: chr19-56027305-T-C. GRCh37 (hg19) VCF-style: chr19-56538671-T-C.
Other names: NM_153447.4:c.1072T>C.
Identifiers: ClinVar variation 103278 (VCV000103278.29), dbSNP rs199475773, ClinGen allele CA230356.

ClinVar aggregate classification (germline): Benign/Likely benign. Review status: criteria provided, multiple submitters, no conflicts (2 of 4 stars). 5 submissions from 5 submitters: Benign (1); Likely benign (2). 2 of the submissions do not count toward it. Last evaluated 2024-07-16.

Conditions:
NLRP5-related disorder. Also called: NLRP5-related condition.

Allele frequency attached by ClinVar (database versions not stated): gnomAD exomes 0.00010 and 0.00030; ExAC 0.00043; 1000 Genomes Project 30x 0.00094; 1000 Genomes Project 0.00100; gnomAD 0.00109 and 0.00116; TOPMed 0.00119; ESP Exome Variant Server 0.00135.
gnomAD v4.1: 319 of 1,612,232 alleles (0.02%); highest among the groups gnomAD compares: African/African-American, 0.36%; 2 homozygotes.

Submissions (5):

Blueprint Genetics
Classification: Likely benign. Last evaluated: 2024-07-16. Review status: criteria provided, single submitter. Criteria: ACMG Guidelines, 2015. Collection method: clinical testing. Allele origin: germline.

CeGaT Center for Human Genetics Tuebingen
Classification: Likely benign. Last evaluated: 2024-02-01. Review status: criteria provided, single submitter. Criteria: CeGaT Center For Human Genetics Tuebingen Variant Classification Criteria Version 2. Collection method: clinical testing. Allele origin: germline. Affected: yes. Observed: 1 variant allele.
Comment: NLRP5: BP4, BP7

Labcorp Genetics (formerly Invitae), Labcorp
Classification: Benign. Last evaluated: 2018-06-06. Review status: criteria provided, single submitter. Criteria: Invitae Variant Classification Sherloc (09022015). Collection method: clinical testing. Allele origin: germline.

PreventionGenetics, part of Exact Sciences
Classification: Likely benign for NLRP5-related condition. Last evaluated: 2019-05-02. Review status: no assertion criteria provided. Collection method: clinical testing. Allele origin: germline. Not counted in ClinVar's aggregate classification.
Comment: This variant is classified as likely benign based on ACMG/AMP sequence variant interpretation guidelines (Richards et al. 2015 PMID: 25741868, with internal and published modifications).

Human Evolutionary Genetics, Institut Pasteur
No classification provided. Review status: no classification provided. Collection method: not provided. Allele origin: germline. Not counted in ClinVar's aggregate classification.
ClinVar note: Converted during submission from untested to not provided.